The following is an entry in ClinVar:

NM_003922.4(HERC1):c.11499G>T (p.Arg3833Ser)

Gene: HERC1 (HECT and RLD domain containing E3 ubiquitin protein ligase family member 1; minus strand). Cytogenetic location: 15q22.31.
Variant type: single nucleotide variant.
Coding change: c.11499G>T on transcript NM_003922.4 (MANE Select); coding-DNA position 11499, G replaced by T.
Protein change: p.Arg3833Ser; replaces arginine 3833 with serine.
Molecular consequence: missense variant.
Genome position (GRCh38, 1-based): chr15:63,641,578, C>A on the plus strand (G>T on the coding strand, the complement: HERC1 is on the minus strand). VCF-style: chr15-63641578-C-A. GRCh37 (hg19) VCF-style: chr15-63933777-C-A.
Other names: short protein forms R3833S.
Identifiers: ClinVar variation 3251899 (VCV003251899.1), dbSNP rs1447414283.

ClinVar aggregate classification (germline): Uncertain significance (1 of 4 stars; one submission).

Submission:

Women's Health and Genetics/Laboratory Corporation of America, LabCorp
Classification: Uncertain significance. Last evaluated: 2024-04-17. Review status: criteria provided, single submitter. Criteria: LabCorp Variant Classification Summary - May 2015. Collection method: clinical testing. Allele origin: germline.
Comment: Variant summary: HERC1 c.11499G>T (p.Arg3833Ser) results in a non-conservative amino acid change in the encoded protein sequence. Three of five in-silico tools predict a damaging effect of the variant on protein function. The variant was absent in 230322 control chromosomes (gnomAD v2.1). The available data on variant occurrences in the general population are insufficient to allow any conclusion about variant significance. To our knowledge, no occurrence of c.11499G>T in individuals affected with Macrocephaly, Dysmorphic Facies, And Psychomotor Retardation and no experimental evidence demonstrating its impact on protein function have been reported. No submitters have cited clinical-significance assessments for this variant to ClinVar. Based on the evidence outlined above, the variant was classified as uncertain significance.